The following is an entry in ClinVar:

ClinVar aggregate classification (germline): Uncertain significance (1 of 4 stars; one submission).

Conditions:
Dyskeratosis congenita. Identifiers: Orphanet 1775, MedGen C0265965, MONDO:0015780.

Submission:

Ambry Genetics
Classification: Uncertain significance for Dyskeratosis congenita. Last evaluated: 2025-05-27. Review status: criteria provided, single submitter. Criteria: Ambry Variant Classification Scheme 2023. Collection method: clinical testing. Allele origin: germline.
Comment: The p.A167T variant (also known as c.499G>A), located in coding exon 2 of the TERT gene, results from a G to A substitution at nucleotide position 499. The alanine at codon 167 is replaced by threonine, an amino acid with similar properties. This variant was reported in individual(s) with features consistent with TERT-related disorder (Sokkar MF et al. J Genet Eng Biotechnol, 2023 Nov;21:149). This amino acid position is not well conserved in available vertebrate species. In addition, the in silico prediction for this alteration is inconclusive. Based on the available evidence, the clinical significance of this variant remains unclear.

Literature cited by the submitters: PubMed 38017244.

NM_198253.3(TERT):c.499G>A (p.Ala167Thr)

Gene: TERT (telomerase reverse transcriptase; minus strand). Cytogenetic location: 5p15.33.
Variant type: single nucleotide variant.
Coding change: c.499G>A on transcript NM_198253.3 (MANE Select); coding-DNA position 499, G replaced by A.
Protein change: p.Ala167Thr; replaces alanine 167 with threonine.
Molecular consequence: missense variant. On other transcripts: non-coding transcript variant (2).
Genome position (GRCh38, 1-based): chr5:1,294,387, C>T on the plus strand (G>A on the coding strand, the complement: TERT is on the minus strand). VCF-style: chr5-1294387-C-T. GRCh37 (hg19) VCF-style: chr5-1294502-C-T.
Other names: c.499G>A, p.Ala167Thr (NM_001193376.3); short protein forms A167T.
Identifiers: ClinVar variation 3967356 (VCV003967356.1).